The following is an entry in ClinVar:

NM_022489.4(INF2):c.1337T>A (p.Leu446Gln)

Gene: INF2 (inverted formin 2; plus strand). Cytogenetic location: 14q32.33.
Variant type: single nucleotide variant.
Coding change: c.1337T>A on transcript NM_022489.4 (MANE Select); coding-DNA position 1337, T replaced by A.
Protein change: p.Leu446Gln; replaces leucine 446 with glutamine.
Molecular consequence: missense variant.
Genome position (GRCh38, 1-based): chr14:104,707,604, T>A. VCF-style: chr14-104707604-T-A. GRCh37 (hg19) VCF-style: chr14-105173941-T-A.
Other names: c.1337T>A, p.Leu446Gln (NM_001031714.4); short protein forms L446Q.
Identifiers: ClinVar variation 872106 (VCV000872106.49), dbSNP rs775331561, ClinGen allele CA391216630.
Genomic context (GRCh38, chr14:104,707,604, plus strand): 5'-CCCCACCCCTGCTCCCTGGTTCCAGTGCCGAGCCCCCTCCCCCTCCCCCACCACCCCCCC[T>A]GCCCAGTGTGGGGGCTAAGGCCCTCCCAACAGCACCCCCGCCCCCACCCCTGCCAGGCCT-3'
Protein context (NP_071934.3, residues 436-456): EPPPPPPPPP[Leu446Gln]PSVGAKALPT

ClinVar aggregate classification (germline): Uncertain significance. Review status: criteria provided, multiple submitters, no conflicts (2 of 4 stars). 3 submissions from 3 submitters: Uncertain significance (3). Last evaluated 2025-10-10.

Conditions:
Charcot-Marie-Tooth disease dominant intermediate E. Also called: CHARCOT-MARIE-TOOTH NEUROPATHY WITH FOCAL SEGMENTAL GLOMERULONEPHRITIS. Identifiers: Orphanet 93114, MedGen C4302667, MONDO:0013758, OMIM 614455.
Focal segmental glomerulosclerosis 5 (FSGS5). Identifiers: Orphanet 656, MedGen C2750475, MONDO:0013191, OMIM 613237.

Allele frequency attached by ClinVar (database versions not stated): gnomAD 0.00001.

Submissions (3):

Women's Health and Genetics/Laboratory Corporation of America, LabCorp
Classification: Uncertain significance. Last evaluated: 2025-10-10. Review status: criteria provided, single submitter. Criteria: LabCorp Variant Classification Summary - May 2015. Collection method: clinical testing. Allele origin: germline.
Comment: Variant summary: INF2 c.1337T>A (p.Leu446Gln) results in a non-conservative amino acid change in the encoded protein sequence. Algorithms developed to predict the effect of missense changes on protein structure and function are either unavailable or do not agree on the potential impact of this missense change. The variant was absent in 103764 control chromosomes. The available data on variant occurrences in the general population are insufficient to allow any conclusion about variant significance. To our knowledge, no occurrence of c.1337T>A in individuals affected with INF2-related conditions and no experimental evidence demonstrating its impact on protein function have been reported. ClinVar contains an entry for this variant (Variation ID: 872106). Based on the evidence outlined above, the variant was classified as uncertain significance.

Labcorp Genetics (formerly Invitae), Labcorp
Classification: Uncertain significance for Charcot-Marie-Tooth disease dominant intermediate E; Focal segmental glomerulosclerosis 5. Last evaluated: 2024-12-10. Review status: criteria provided, single submitter. Criteria: Invitae Variant Classification Sherloc (09022015). Collection method: clinical testing. Allele origin: germline.
Comment: This sequence change replaces leucine, which is neutral and non-polar, with glutamine, which is neutral and polar, at codon 446 of the INF2 protein (p.Leu446Gln). This variant is not present in population databases (gnomAD no frequency). This variant has not been reported in the literature in individuals affected with INF2-related conditions. ClinVar contains an entry for this variant (Variation ID: 872106). Invitae Evidence Modeling of protein sequence and biophysical properties (such as structural, functional, and spatial information, amino acid conservation, physicochemical variation, residue mobility, and thermodynamic stability) indicates that this missense variant is not expected to disrupt INF2 protein function with a negative predictive value of 95%. In summary, the available evidence is currently insufficient to determine the role of this variant in disease. Therefore, it has been classified as a Variant of Uncertain Significance.

CeGaT Center for Human Genetics Tuebingen
Classification: Uncertain significance. Last evaluated: 2019-07-01. Review status: criteria provided, single submitter. Criteria: CeGaT Center For Human Genetics Tuebingen Variant Classification Criteria Version 2. Collection method: clinical testing. Allele origin: germline. Affected: yes. Observed: 2 variant alleles.